The following is an entry in ClinVar:

NM_016169.4(SUFU):c.1268C>T (p.Pro423Leu)

Gene: SUFU (SUFU negative regulator of hedgehog signaling; plus strand). Cytogenetic location: 10q24.32.
Variant type: single nucleotide variant.
Coding change: c.1268C>T on transcript NM_016169.4 (MANE Select); coding-DNA position 1268, C replaced by T.
Protein change: p.Pro423Leu; replaces proline 423 with leucine.
Molecular consequence: missense variant.
Genome position (GRCh38, 1-based): chr10:102,617,400, C>T. VCF-style: chr10-102617400-C-T. GRCh37 (hg19) VCF-style: chr10-104377157-C-T.
Other names: c.1268C>T, p.Pro423Leu (NM_001178133.2); short protein forms P423L.
Identifiers: ClinVar variation 2939468 (VCV002939468.4), dbSNP rs1590084270, ClinGen allele CA377916661.

ClinVar aggregate classification (germline): Uncertain significance. Review status: criteria provided, multiple submitters, no conflicts (2 of 4 stars). 2 submissions from 2 submitters: Uncertain significance (2). Last evaluated 2026-07-07.

Conditions:
Hereditary cancer-predisposing syndrome. Also called: Hereditary Cancer Syndrome; Hereditary neoplastic syndrome; Neoplastic Syndromes, Hereditary; Tumor predisposition. Identifiers: Orphanet 140162, MedGen C0027672, MeSH D009386, MONDO:0015356.
Gorlin syndrome. Also called: Nevoid Basal Cell Carcinoma Syndrome; Basal cell nevus syndrome. Identifiers: Orphanet 377, MedGen C0004779, MONDO:0007187.
Medulloblastoma (MDB). Also called: Medulloblastoma, somatic; MEDULLOBLASTOMA PREDISPOSITION SYNDROME. Identifiers: Orphanet 616, MedGen C0025149, MeSH D008527, MONDO:0007959, OMIM 155255, HP:0002885.

Submissions (2):

Ambry Genetics
Classification: Uncertain significance for Hereditary cancer-predisposing syndrome. Last evaluated: 2026-07-07. Review status: criteria provided, single submitter. Criteria: Ambry Variant Classification Scheme 2023. Collection method: clinical testing. Allele origin: germline.
Comment: The p.P423L variant (also known as c.1268C>T), located in coding exon 10 of the SUFU gene, results from a C to T substitution at nucleotide position 1268. The proline at codon 423 is replaced by leucine, an amino acid with similar properties. This amino acid position is conserved. In addition, this alteration is predicted to be deleterious by in silico analysis. Based on the available evidence, the clinical significance of this variant remains unclear.

Labcorp Genetics (formerly Invitae), Labcorp
Classification: Uncertain significance for Gorlin syndrome; Medulloblastoma. Last evaluated: 2023-11-08. Review status: criteria provided, single submitter. Criteria: Invitae Variant Classification Sherloc (09022015). Collection method: clinical testing. Allele origin: germline.
Comment: This sequence change replaces proline, which is neutral and non-polar, with leucine, which is neutral and non-polar, at codon 423 of the SUFU protein (p.Pro423Leu). This variant is not present in population databases (gnomAD no frequency). This variant has not been reported in the literature in individuals affected with SUFU-related conditions. Advanced modeling of protein sequence and biophysical properties (such as structural, functional, and spatial information, amino acid conservation, physicochemical variation, residue mobility, and thermodynamic stability) has been performed at Invitae for this missense variant, however the output from this modeling did not meet the statistical confidence thresholds required to predict the impact of this variant on SUFU protein function. In summary, the available evidence is currently insufficient to determine the role of this variant in disease. Therefore, it has been classified as a Variant of Uncertain Significance.